The following is an entry in ClinVar:

NM_012301.4(MAGI2):c.3357A>G (p.Leu1119=)

Gene: MAGI2 (membrane associated guanylate kinase, WW and PDZ domain containing 2; minus strand). Cytogenetic location: 7q21.11.
Variant type: single nucleotide variant.
Coding change: c.3357A>G on transcript NM_012301.4 (MANE Select); coding-DNA position 3357, A replaced by G.
Protein change: p.Leu1119=; no amino-acid change (leucine 1119 retained).
Molecular consequence: synonymous variant.
Genome position (GRCh38, 1-based): chr7:78,127,263, T>C on the plus strand (A>G on the coding strand, the complement: MAGI2 is on the minus strand). VCF-style: chr7-78127263-T-C. GRCh37 (hg19) VCF-style: chr7-77756580-T-C.
Other names: p.Leu1119=; c.3315A>G, p.Leu1105= (NM_001301128.2).
Identifiers: ClinVar variation 129565 (VCV000129565.22), dbSNP rs2074641, ClinGen allele CA153642.

ClinVar aggregate classification (germline): Benign. Review status: criteria provided, multiple submitters, no conflicts (2 of 4 stars). 9 submissions from 9 submitters: Benign (8). 1 of the submissions does not count toward it. Last evaluated 2026-02-04.

Conditions:
Nephrotic syndrome 15. Identifiers: MedGen C4539896, MONDO:0033262, OMIM 617609.

Allele frequency attached by ClinVar (database versions not stated): 1000 Genomes Project 0.78654; 1000 Genomes Project 30x 0.79044; gnomAD exomes 0.81523 and 0.85736; ExAC 0.82481; TOPMed 0.84986; gnomAD 0.85789 and 0.86492; ESP Exome Variant Server 0.88398.
gnomAD v4.1: 1,379,477 of 1,610,004 alleles (86%); highest among the groups gnomAD compares: African/African-American, 91%; 594,423 homozygotes.

Submissions (9):

Labcorp Genetics (formerly Invitae), Labcorp
Classification: Benign. Last evaluated: 2026-02-04. Review status: criteria provided, single submitter. Criteria: Invitae Variant Classification Sherloc (09022015). Collection method: clinical testing. Allele origin: germline.

Blueprint Genetics
Classification: Benign. Last evaluated: 2024-11-27. Review status: criteria provided, single submitter. Criteria: ACMG Guidelines, 2015. Collection method: clinical testing. Allele origin: germline.

Unidad de Genómica Garrahan, Hospital de Pediatría Garrahan
Classification: Benign. Last evaluated: 2024-07-15. Review status: criteria provided, single submitter. Criteria: ACMG Guidelines, 2015. Collection method: clinical testing. Allele origin: germline. Affected: no. Observed: 86 variant alleles.
Comment: This variant is classified as Benign based on local population frequency. This variant was detected in 92% of patients studied in a panel designed for Epileptic and Developmental Encephalopathy and Progressive Myoclonus Epilepsy. Number of patients: 86. Only high quality variants are reported.

Mayo Clinic Laboratories, Mayo Clinic
Classification: Benign. Last evaluated: 2022-03-09. Review status: criteria provided, single submitter. Criteria: ACMG Guidelines, 2015. Collection method: clinical testing. Allele origin: germline. Observed: 147 variant alleles.

Genome-Nilou Lab
Classification: Benign for Nephrotic syndrome 15. Last evaluated: 2021-09-05. Review status: criteria provided, single submitter. Criteria: ACMG Guidelines, 2015. Collection method: clinical testing. Allele origin: germline. Affected: no.

GeneDx
Classification: Benign. Last evaluated: 2019-08-20. Review status: criteria provided, single submitter. Criteria: GeneDx Variant Classification Process June 2021. Collection method: clinical testing. Allele origin: germline. Affected: yes.

Athena Diagnostics
Classification: Benign. Last evaluated: 2017-04-20. Review status: criteria provided, single submitter. Criteria: Athena Diagnostics Criteria. Collection method: clinical testing. Allele origin: germline.

Breakthrough Genomics
Classification: Benign. Review status: criteria provided, single submitter. Criteria: ACMG Guidelines, 2015. Collection method: not provided. Allele origin: germline. Inheritance: Autosomal recessive inheritance. Affected: yes.

Genetic Services Laboratory, University of Chicago
Classification: Likely benign for AllHighlyPenetrant. Review status: no assertion criteria provided. Collection method: clinical testing. Allele origin: germline. Inheritance: Autosomal dominant inheritance. Not counted in ClinVar's aggregate classification.
Comment: Likely benign based on allele frequency in 1000 Genomes Project or ESP global frequency and its presence in a patient with a rare or unrelated disease phenotype. NOT Sanger confirmed.